The following is an entry in ClinVar:

ClinVar aggregate classification (germline): Pathogenic (1 of 4 stars; one submission).

Conditions:
Primary ciliary dyskinesia 3. Identifiers: Orphanet 244, MedGen C1837618, MONDO:0012085, OMIM 608644.

gnomAD v4.1: 1 of 1,612,084 alleles (0.000062%); highest among the groups gnomAD compares: South Asian, 0.0011%; no homozygotes.

Submission:

Baylor Genetics
Classification: Pathogenic for Primary ciliary dyskinesia 3. Last evaluated: 2019-12-06. Review status: criteria provided, single submitter. Criteria: ACMG Guidelines, 2015. Collection method: clinical testing. Allele origin: unknown. Affected: yes.
Comment: This variant was determined to be pathogenic according to ACMG Guidelines, 2015 [PMID:25741868].

NM_001369.3(DNAH5):c.12907C>T (p.Gln4303Ter)

Gene: DNAH5 (dynein axonemal heavy chain 5; minus strand). Cytogenetic location: 5p15.2.
Variant type: single nucleotide variant.
Coding change: c.12907C>T on transcript NM_001369.3 (MANE Select); coding-DNA position 12907, C replaced by T.
Protein change: p.Gln4303Ter; replaces glutamine 4303 with a stop codon.
Molecular consequence: nonsense.
Genome position (GRCh38, 1-based): chr5:13,716,489, G>A on the plus strand (C>T on the coding strand, the complement: DNAH5 is on the minus strand). VCF-style: chr5-13716489-G-A. GRCh37 (hg19) VCF-style: chr5-13716598-G-A.
Other names: short protein forms Q4303*.
Identifiers: ClinVar variation 1027908 (VCV001027908.1), dbSNP rs371030180, ClinGen allele CA359203525.
Genomic context (GRCh38, chr5:13,716,489, plus strand): 5'-CAAAACTCAAGTGGCTACAGATATTTGCTCTATGCATAAAATTCTGAAGTTGACAAACCT[G>A]GATATACTGAAGATAGTTATCCACTGTGCTGCATTTTGGAATATTGTATCCTTGGTAAAA-3'